The following is an entry in ClinVar:

ClinVar aggregate classification (germline): Uncertain significance (1 of 4 stars; one submission).

Submission:

GeneDx
Classification: Uncertain significance. Last evaluated: 2024-07-03. Review status: criteria provided, single submitter. Criteria: GeneDx Variant Classification Process June 2021. Collection method: clinical testing. Allele origin: germline. Affected: yes.
Comment: Not observed at significant frequency in large population cohorts (gnomAD); Missense variant in a gene in which most reported pathogenic variants are truncating/loss of function; Has not been previously published as pathogenic or benign to our knowledge

NM_001267550.2(TTN):c.45103A>G (p.Lys15035Glu)

Genes: TTN (titin; minus strand), LOC126806427 (BRD4-independent group 4 enhancer GRCh37_chr2:179485777-179486976; plus strand). Cytogenetic location: 2q31.2.
Variant type: single nucleotide variant.
Coding change: c.45103A>G on transcript NM_001267550.2 (MANE Select); coding-DNA position 45103, A replaced by G.
Protein change: p.Lys15035Glu; replaces lysine 15035 with glutamic acid.
Molecular consequence: missense variant.
Genome position (GRCh38, 1-based): chr2:178,621,721, T>C on the plus strand (A>G on the coding strand, the complement: TTN is on the minus strand). VCF-style: chr2-178621721-T-C. GRCh37 (hg19) VCF-style: chr2-179486448-T-C.
Other names: c.40180A>G, p.Lys13394Glu (NM_001256850.1); c.17908A>G, p.Lys5970Glu (NM_003319.4); c.37399A>G, p.Lys12467Glu (NM_133378.4); c.18283A>G, p.Lys6095Glu (NM_133432.3); c.18484A>G, p.Lys6162Glu (NM_133437.4); short protein forms K13394E, K12467E, K15035E, K5970E, K6095E, K6162E.
Identifiers: ClinVar variation 3393535 (VCV003393535.1).